The following is an entry in ClinVar:

ClinVar aggregate classification (germline): Pathogenic (1 of 4 stars; one submission).

Conditions:
Hereditary cancer-predisposing syndrome. Also called: Neoplastic Syndromes, Hereditary; Tumor predisposition; Hereditary Cancer Syndrome; Hereditary neoplastic syndrome. Identifiers: Orphanet 140162, MedGen C0027672, MeSH D009386, MONDO:0015356.

Submission:

Labcorp Genetics (formerly Invitae), Labcorp
Classification: Pathogenic for Hereditary cancer-predisposing syndrome. Last evaluated: 2022-08-10. Review status: criteria provided, single submitter. Criteria: Invitae Variant Classification Sherloc (09022015). Collection method: clinical testing. Allele origin: germline.
Comment: This variant has not been reported in the literature in individuals affected with RAD50-related conditions. For these reasons, this variant has been classified as Pathogenic. Algorithms developed to predict the effect of sequence changes on RNA splicing suggest that this variant may create or strengthen a splice site. ClinVar contains an entry for this variant (Variation ID: 457417). The frequency data for this variant in the population databases is considered unreliable, as metrics indicate poor data quality at this position in the gnomAD database. This sequence change creates a premature translational stop signal (p.Val912*) in the RAD50 gene. It is expected to result in an absent or disrupted protein product. Loss-of-function variants in RAD50 are known to be pathogenic (PMID: 19409520).

Literature cited by the submitters: PubMed 19409520.

NM_005732.4(RAD50):c.2734del (p.Gln911_Val912insTer)

Gene: RAD50 (RAD50 double strand break repair protein; plus strand). Cytogenetic location: 5q31.1.
Variant type: Deletion.
Coding change: c.2734del on transcript NM_005732.4 (MANE Select); coding-DNA position 2734, one base deleted (G; older notation c.2734delG).
Protein change: p.Gln911_Val912insTer.
Molecular consequence: nonsense.
Genome position (GRCh38, 1-based): chr5:132,608,630, G deleted; the last of 2 consecutive G bases (chr5:132,608,629-132,608,630); deleting either gives the same sequence. VCF-style (leftmost placement, unchanged base first): chr5-132608628-AG-A. GRCh37 (hg19) VCF-style: chr5-131944320-AG-A.
Identifiers: ClinVar variation 457417 (VCV000457417.7), dbSNP rs1297931573, ClinGen allele CA562775694.